The following is an entry in ClinVar:

NM_021193.4(HOXD12):c.790G>T (p.Glu264Ter)

Gene: HOXD12 (homeobox D12; plus strand). Cytogenetic location: 2q31.1.
Variant type: single nucleotide variant.
Coding change: c.790G>T on transcript NM_021193.4 (MANE Select); coding-DNA position 790, G replaced by T.
Protein change: p.Glu264Ter; replaces glutamic acid 264 with a stop codon.
Molecular consequence: nonsense.
Genome position (GRCh38, 1-based): chr2:176,100,737, G>T. VCF-style: chr2-176100737-G-T. GRCh37 (hg19) VCF-style: chr2-176965465-G-T.
Other names: short protein forms E264*.
Identifiers: ClinVar variation 4981704 (VCV004981704.1).

ClinVar aggregate classification (germline): Likely benign (1 of 4 stars; one submission).

Conditions:
HOXD12-related disorder. Also called: HOXD12-related condition.

gnomAD v4.1: 278 of 1,613,566 alleles (0.017%); highest among the groups gnomAD compares: Middle Eastern, 0.83%; 5 homozygotes.

Submission:

PreventionGenetics, part of Exact Sciences
Classification: Likely benign for HOXD12-related condition. Last evaluated: 2025-12-03. Review status: criteria provided, single submitter. Criteria: ACMG Guidelines, 2015. Collection method: clinical testing. Allele origin: germline.
Comment: This variant is classified as likely benign based on ACMG/AMP sequence variant interpretation guidelines (Richards et al. 2015 PMID: 25741868, with internal and published modifications).